The following is an entry in ClinVar:

ClinVar aggregate classification (germline): Pathogenic. Review status: reviewed by expert panel (3 of 4 stars). 21 submissions from 19 submitters: Pathogenic (1). 20 of the submissions do not count toward it. Last evaluated 2024-08-12.

Conditions:
von Willebrand disorder (VWD). Also called: von Willebrand's disease; von Willebrand Diseases; Von Willebrand disease (hereditary or acquired). Identifiers: MedGen C0042974, MeSH D014842, MONDO:0024574.
VWF-related disorder. Also called: VWF-related condition; VWF-related disorders.
von Willebrand disease type 2 (VWD2). Also called: VON WILLEBRAND DISEASE, TYPE 2A/IIE; VON WILLEBRAND DISEASE, TYPE 2CB; VON WILLEBRAND DISEASE, TYPE II; VWD, TYPE 2. Identifiers: Orphanet 166081, Orphanet 903, MedGen C1264040, MONDO:0013304, OMIM 613554.
von Willebrand disease type 1 (VWD1). Also called: VON WILLEBRAND DISEASE, TYPE I; VWD, TYPE 1. Identifiers: Orphanet 166078, Orphanet 903, MedGen C1264039, MONDO:0008668, OMIM 193400. Inheritance: autosomal recessive or autosomal dominant.
von Willebrand disease type 3 (VWD3). Also called: Type 3 Von Willebrand's disease; Type 3 VWD; Von Willebrand disease, severe form; V WD3; VON WILLEBRAND DISEASE, TYPE III. Identifiers: Orphanet 166096, MedGen C1264041, MONDO:0010191, OMIM 277480.
Hereditary von Willebrand disease. Identifiers: Orphanet 903, MedGen C5703318, MONDO:0019565. Inheritance: Autosomal recessive or Autosomal dominant.
Von Willebrand disease type 2B. Identifiers: Orphanet 166087, MedGen C1282971, MONDO:0015629.
Abnormality of coagulation. Identifiers: MedGen C1846821, HP:0001928.

Submissions 1 to 8 of 21:

ClinGen von Willebrand Disease Variant Curation Expert Panel, ClinGen
Classification: Pathogenic for Von Willebrand disease type 2B. Last evaluated: 2024-08-12. Review status: reviewed by expert panel. Criteria: ClinGen VWD 2A B M Rules. Collection method: curation. Allele origin: germline. Inheritance: Autosomal dominant inheritance.
Comment: The c.3916C>T (p.Arg1306Trp) variant in VWF has been reported in several dozen vWD type 2B patients (PS4). At least 4 (PMIDs: 1419803, 19740526 and 15041272) have sufficient information reported to meet the PP4_moderate criteria. In vitro studies have shown increased platelet binding in COS-7 cells and a VWF -/- mouse with R1306-vWF hydrodynamic expression recapitulated patient phenotypes (PMID: 20371742). This variant is absent from population databases, including gnomADv4.1 (PM2_supporting). It is predicted deleterious by REVEL which gives a score of 0.769, which is above the ClinGen VWD VCEP threshold of >0.644 and predicts a damaging effect on VWF function (PP3). This variant has been observed both de novo (PMID: 1419803; PS2_supporting) and segregating in multiple families (PMID: 15041272 and 1419803; PP1_moderate). In summary, this variant meets criteria to be classified as pathogenic for vWD type 2B with specified criteria PS3, PS4, PM2_supporting, PS2_supporting, PP1_moderate, PP3, and PP4_moderate.

GeneDx
Classification: Pathogenic. Last evaluated: 2026-02-15. Review status: criteria provided, single submitter. Criteria: GeneDx Variant Classification Process June 2021. Collection method: clinical testing. Allele origin: germline. Not counted in ClinVar's aggregate classification.
Comment: Published functional studies demonstrate a damaging gain of function effect leading to spontaneous platelet aggregation (PMID: 8547152, 36580664); In silico analysis suggests that this missense variant does not alter protein structure/function; Not observed at significant frequency in large population cohorts (gnomAD); This variant is associated with the following publications: (PMID: 31064749, 29388750, 33556167, 15571600, 1672694, 12558793, 36226571, 28118618, 31464689, 38308883, 39343102, 20371742, 9723578, 23970904, 41411488, 39193974, 18094571, 28640903, 37872709, 17087728, 8547152, 36580664, 19740526, 35772170, 22077376, 15041272, 23819767, 2010538, 27029718)

Women's Health and Genetics/Laboratory Corporation of America, LabCorp
Classification: Pathogenic for von Willebrand disorder. Last evaluated: 2025-12-30. Review status: criteria provided, single submitter. Criteria: LabCorp Variant Classification Summary - May 2015. Collection method: clinical testing. Allele origin: germline. Not counted in ClinVar's aggregate classification.
Comment: Variant summary: VWF c.3916C>T (p.Arg1306Trp) results in a non-conservative amino acid change in the encoded protein sequence. Algorithms developed to predict the effect of missense changes on protein structure and function all suggest that this variant is likely to be disruptive. The variant was absent in 251092 control chromosomes (gnomAD). c.3916C>T has been observed in multiple individuals affected with Von Willebrand Disease (e.g. Roberts_2016). These data indicate that the variant is very likely to be associated with disease. A different variant affecting the same codon has been classified as pathogenic by our lab (c.3917G>T, p.Arg1306Leu), supporting the critical relevance of codon 1306 to VWF protein function. The following publication has been ascertained in the context of this evaluation (PMID: 26917779). ClinVar contains an entry for this variant (Variation ID: 288). Based on the evidence outlined above, the variant was classified as pathogenic.

PreventionGenetics, part of Exact Sciences
Classification: Pathogenic for VWF-related condition. Last evaluated: 2025-11-17. Review status: criteria provided, single submitter. Criteria: ACMG Guidelines, 2015. Collection method: clinical testing. Allele origin: germline. Not counted in ClinVar's aggregate classification.
Comment: The VWF c.3916C>T variant is predicted to result in the amino acid substitution p.Arg1306Trp. This variant has been reported in several individuals with autosomal dominant von Willebrand disease type 2B; and, functional data indicates the p.Arg1306Trp substitution alters VWF protein function consistent with the type 2B phenotype (see, for example, Ranger et al. 2011. PubMed ID: 22077376; Ozeki et al. 2010. PubMed ID: 19740526; Casaña et al. 1998. PubMed ID: 9723578). This variant has not been reported in a large population database (gnomAD), indicating this variant is rare. This variant is interpreted as pathogenic.

Laboratory of Genetics, Children's Clinical University Hospital Latvia
Classification: Pathogenic. Last evaluated: 2025-02-16. Review status: criteria provided, single submitter. Criteria: ACMG Guidelines, 2015. Collection method: clinical testing. Allele origin: germline. Affected: yes. Not counted in ClinVar's aggregate classification.

ARUP Laboratories, Molecular Genetics and Genomics, ARUP Laboratories
Classification: Pathogenic. Last evaluated: 2024-11-16. Review status: criteria provided, single submitter. Criteria: ARUP Molecular Germline Variant Investigation Process 2024. Collection method: clinical testing. Allele origin: germline. Not counted in ClinVar's aggregate classification.
Comment: The VWF c.3916C>T; p.Arg1306Trp variant (rs61749384), also known as Arg534Trp, is reported in the medical literature in multiple families affected by von Willebrand disease type IIB (Cooney 1991, Lillicrap 1991, Pietu 1991, Randi 1991, Donner 1992, Casana 1998, Ozeki 2010) and co-segregates with affected family members (Lillicrap 1991, Donner 1992, Casana 1998). Functional characterization of the p.Arg1306Trp protein indicates a greater sensitivity to shear stress, leading to a reduction of high molecular weight multimers in plasma (Scaglione 2013). This variant is also reported in ClinVar (Variation ID:288), but is absent from the Genome Aggregation Database, indicating it is not a common polymorphism. The arginine at residue 1306 is moderately conserved, and computational analyses predict that this variant is deleterious (REVEL: 0.769). Based on available information, the variant is classified as pathogenic. References: Casana P et al. Search for mutations in a segment of the exon 28 of the human von Willebrand factor gene: new mutations, R1315C and R1341W, associated with type 2M and 2B variants. Am J Hematol. 1998 59(1):57-63. PMID: 9723578. Cooney K et al. The molecular defect in type IIB von Willebrand disease. Identification of four potential missense mutations within the putative GpIb binding domain. J Clin Invest. 1991 87(4):1227-33. PMID: 1672694. Donner M et al. Type IIB von Willebrand's disease: gene mutations and clinical presentation in nine families from Denmark, Germany and Sweden. Br J Haematol. 1992 82(1):58-65. PMID: 1419803. Lillicrap D et al. Recurring mutations at CpG dinucleotides in the region of the von Willebrand factor gene encoding the glycoprotein Ib binding domain, in patients with type IIB von Willebrand's disease. Br J Haematol. 1991 79(4):612-7. PMID: 1772783. Ozeki M et al. A family having type 2B von Willebrand disease with an R1306W mutation: Severe thrombocytopenia leads to the normalization of high molecular weight multimers. Thromb Res. 2010 125(2):e17-22. PMID: 19740526. Pietu G et al. Molecular study of von Willebrand disease: identification of potential mutations in patients with type IIA and type IIB. Blood Coagul Fibrinolysis. 1992 3(4):415-21. PMID: 1420817. Randi A et al. Molecular basis of von Willebrand disease type IIB. Candidate mutations cluster in one disulfide loop between proposed platelet glycoprotein Ib binding sequences. J Clin Invest. 1991 87(4):1220-6. PMID: 2010538.

Fulgent Genetics
Classification: Pathogenic for von Willebrand disease type 1; von Willebrand disease type 3; von Willebrand disease type 2. Last evaluated: 2024-05-23. Review status: criteria provided, single submitter. Criteria: ACMG Guidelines, 2015. Collection method: clinical testing. Allele origin: germline. Not counted in ClinVar's aggregate classification.

Blueprint Genetics
Classification: Pathogenic for VWF-related disorders. Last evaluated: 2023-11-14. Review status: criteria provided, single submitter. Criteria: ACMG Guidelines, 2015. Collection method: clinical testing. Allele origin: germline. Affected: yes. Observed: 1 variant allele. Not counted in ClinVar's aggregate classification.

NM_000552.5(VWF):c.3916C>T (p.Arg1306Trp)

Gene: VWF (von Willebrand factor; minus strand). Cytogenetic location: 12p13.31.
Variant type: single nucleotide variant.
Coding change: c.3916C>T on transcript NM_000552.5 (MANE Select); coding-DNA position 3916, C replaced by T.
Protein change: p.Arg1306Trp; replaces arginine 1306 with tryptophan.
Molecular consequence: missense variant.
Genome position (GRCh38, 1-based): chr12:6,019,502, G>A on the plus strand (C>T on the coding strand, the complement: VWF is on the minus strand). VCF-style: chr12-6019502-G-A. GRCh37 (hg19) VCF-style: chr12-6128668-G-A.
Other names: p.R1306W; NM_000552.4(VWF):c.3916C>T; c.3916C>T (NM_000552.4); short protein forms R1306W.
Identifiers: ClinVar variation 288 (VCV000000288.29), dbSNP rs61749384, ClinGen allele CA114123.